The following is an entry in ClinVar:

NM_000053.4(ATP7B):c.23_24delinsAT (p.Ile8Asn)

Gene: ATP7B (ATPase copper transporting beta; minus strand). Cytogenetic location: 13q14.3.
Variant type: Indel.
Coding change: c.23_24delinsAT on transcript NM_000053.4 (MANE Select); coding-DNA positions 23 to 24, TC replaced by AT.
Protein change: p.Ile8Asn; replaces isoleucine 8 with asparagine.
Molecular consequence: missense variant. On other transcripts: 5 prime UTR variant (3).
Genome position (GRCh38, 1-based): chr13:52,011,314-52,011,315, GA replaced by AT on the plus strand (TC replaced by AT on the coding strand, the reverse complement: ATP7B is on the minus strand). VCF-style: chr13-52011314-GA-AT. GRCh37 (hg19) VCF-style: chr13-52585450-GA-AT.
Other names: c.23_24delinsAT, p.Ile8Asn (NM_001005918.3, NM_001243182.2, NM_001330578.2 and 30 more transcripts); c.-165_-164delinsAT (NM_001406518.1); c.-107_-106delinsAT (NM_001406539.1, NM_001406543.1); short protein forms I8N.
Identifiers: ClinVar variation 4749528 (VCV004749528.1).
Genomic context (GRCh38, chr13:52,011,314, plus strand): 5'-CACGCTGCGCGGACGCGGGGGAACAAAACTCACTTTCCGACTGGCCCCTTCTCTGGCTGT[GA>AT]TCTGTCTCTCCTGCTCAGGCATCGTCCCGCACGGACACCGAATTCTTCTCTGATCTGGCT-3'
Protein context (NP_000044.2, residues 1-18): MPEQERQ[Ile8Asn]TAREGASRKI

ClinVar aggregate classification (germline): Uncertain significance (1 of 4 stars; one submission).

Conditions:
Wilson disease (WND). Also called: Wilson's disease. Identifiers: Orphanet 905, MedGen C0019202, MONDO:0010200, OMIM 277900. Disease mechanism: loss of function.

Submission:

Labcorp Genetics (formerly Invitae), Labcorp
Classification: Uncertain significance for Wilson disease. Last evaluated: 2025-02-10. Review status: criteria provided, single submitter. Criteria: Invitae Variant Classification Sherloc (09022015). Collection method: clinical testing. Allele origin: germline.
Comment: This sequence change replaces isoleucine, which is neutral and non-polar, with asparagine, which is neutral and polar, at codon 8 of the ATP7B protein (p.Ile8Asn). Information on the frequency of this variant in the gnomAD database is not available, as this variant may be reported differently in the database. This variant has not been reported in the literature in individuals affected with ATP7B-related conditions. An algorithm developed to predict the effect of missense changes on protein structure and function (PolyPhen-2) suggests that this variant is likely to be tolerated. In summary, the available evidence is currently insufficient to determine the role of this variant in disease. Therefore, it has been classified as a Variant of Uncertain Significance.